The following is an entry in ClinVar:

ClinVar aggregate classification (germline): Conflicting classifications of pathogenicity. Review status: criteria provided, conflicting classifications (1 of 4 stars). 2 submissions from 2 submitters: Uncertain significance (1); Benign (1). Last evaluated 2023-06-26.

Conditions:
Marfan syndrome (MFS). Also called: MARFAN SYNDROME, TYPE I; Marfan syndrome type 1; Marfan's syndrome; Marfan syndrome, classic; FBN1-Related Marfan Syndrome. Identifiers: Orphanet 284963, Orphanet 558, MedGen C0024796, MONDO:0007947, OMIM 154700.
Familial thoracic aortic aneurysm and aortic dissection (TAAD). Also called: Thoracic aortic aneurysms and dissections. Identifiers: Orphanet 91387, MedGen C4707243, MONDO:0019625.

Submissions (2):

All of Us Research Program, National Institutes of Health
Classification: Uncertain significance for Marfan syndrome. Last evaluated: 2023-06-26. Review status: criteria provided, single submitter. Criteria: ACMG Guidelines, 2015. Collection method: clinical testing. Allele origin: germline. Inheritance: Autosomal dominant inheritance. Observed: 1 variant allele, 1 heterozygote.
Comment: This variant causes deletion of one nucleotide in intron 10 of the FBN1 gene. To our knowledge, functional studies have not been reported for this variant. This variant has not been reported in individuals affected with FBN1-related disorders in the literature. This variant has not been identified in the general population by the Genome Aggregation Database (gnomAD). The available evidence is insufficient to determine the role of this variant in disease conclusively. Therefore, this variant is classified as a Variant of Uncertain Significance.

This study involves interpretation of variants in research participants for the purpose of population health screening. Participant phenotype was not available at the time of variant classification. Additional details can be found in publication PMID: 35346344, PMCID: PMC8962531

Labcorp Genetics (formerly Invitae), Labcorp
Classification: Benign for Marfan syndrome; Familial thoracic aortic aneurysm and aortic dissection. Last evaluated: 2023-02-23. Review status: criteria provided, single submitter. Criteria: Invitae Variant Classification Sherloc (09022015). Collection method: clinical testing. Allele origin: germline.

NM_000138.5(FBN1):c.1148-16del

Gene: FBN1 (fibrillin 1; minus strand). Cytogenetic location: 15q21.1.
Variant type: Deletion.
Coding change: c.1148-16del on transcript NM_000138.5 (MANE Select); 16 bases into the intron before coding-DNA position 1148, one base deleted (T; older notation c.1148-16delT).
Molecular consequence: intron variant.
Genome position (GRCh38, 1-based): chr15:48,516,378, A deleted on the plus strand (T on the coding strand, the reverse complement: FBN1 is on the minus strand); the first of 4 consecutive A bases (chr15:48,516,378-48,516,381); deleting any one gives the same sequence. VCF-style (leftmost placement, unchanged base first): chr15-48516377-CA-C. GRCh37 (hg19) VCF-style: chr15-48808574-CA-C.
Other names: c.1148-16del (NM_001406716.1).
Identifiers: ClinVar variation 2941905 (VCV002941905.4), dbSNP rs2505620110, ClinGen allele CA2740096686.